The following is an entry in ClinVar:

ClinVar aggregate classification (germline): Pathogenic (1 of 4 stars; one submission).

Submission:

Labcorp Genetics (formerly Invitae), Labcorp
Classification: Pathogenic. Last evaluated: 2023-12-13. Review status: criteria provided, single submitter. Criteria: Invitae Variant Classification Sherloc (09022015). Collection method: clinical testing. Allele origin: germline.
Comment: This sequence change creates a premature translational stop signal (p.Asp167Thrfs*6) in the CYP11B2 gene. It is expected to result in an absent or disrupted protein product. Loss-of-function variants in CYP11B2 are known to be pathogenic (PMID: 20494601, 22801770, 26936515). This variant is not present in population databases (gnomAD no frequency). This variant has not been reported in the literature in individuals affected with CYP11B2-related conditions. For these reasons, this variant has been classified as Pathogenic.

Literature cited by the submitters: PubMed 20494601; PubMed 22801770; PubMed 26936515.

NM_000498.3(CYP11B2):c.499del (p.Asp167fs)

Genes: CYP11B2 (cytochrome P450 family 11 subfamily B member 2; minus strand), LOC106799834 (CYP11B2 recombination region; plus strand). Cytogenetic location: 8q24.3.
Variant type: Deletion.
Coding change: c.499del on transcript NM_000498.3 (MANE Select); coding-DNA position 499, one base deleted (G; older notation c.499delG).
Protein change: p.Asp167fs; shifts the reading frame from aspartic acid 167.
Molecular consequence: frameshift variant.
Genome position (GRCh38, 1-based): chr8:142,915,142, C deleted on the plus strand (G on the coding strand, the reverse complement: CYP11B2 is on the minus strand); the first of 3 consecutive C bases (chr8:142,915,142-142,915,144); deleting any one gives the same sequence. VCF-style (leftmost placement, unchanged base first): chr8-142915141-TC-T. GRCh37 (hg19) VCF-style: chr8-143996557-TC-T.
Other names: short protein forms D167fs.
Identifiers: ClinVar variation 2702769 (VCV002702769.3), dbSNP rs2488700825, ClinGen allele CA2688873601.